The following is an entry in ClinVar:

NM_001365276.2(TNXB):c.7088C>G (p.Pro2363Arg)

Gene: TNXB (tenascin XB; minus strand). Cytogenetic location: 6p21.33.
Variant type: single nucleotide variant.
Coding change: c.7088C>G on transcript NM_001365276.2 (MANE Select); coding-DNA position 7088, C replaced by G.
Protein change: p.Pro2363Arg; replaces proline 2363 with arginine.
Molecular consequence: missense variant.
Genome position (GRCh38, 1-based): chr6:32,062,237, G>C on the plus strand (C>G on the coding strand, the complement: TNXB is on the minus strand). VCF-style: chr6-32062237-G-C. GRCh37 (hg19) VCF-style: chr6-32030014-G-C.
Other names: c.7088C>G, p.Pro2363Arg (NM_019105.8); short protein forms P2363R.
Identifiers: ClinVar variation 2451116 (VCV002451116.3), dbSNP rs2483516933, ClinGen allele CA363553836.
Genomic context (GRCh38, chr6:32,062,237, plus strand): 5'-ACGGGGCCCACACGCTGGCCACCGTGGAAGCCGTACAGGTTCATCTTGTACTTGTTGTCT[G>C]GCTCCAGGCCGGAGATGGTGACCCTGTCCTCATGTCCTGGCACCCGTGTTGCCTTGGGCT-3'
Protein context (NP_001352205.1, residues 2353-2373): EDRVTISGLE[Pro2363Arg]DNKYKMNLYG

ClinVar aggregate classification (germline): Uncertain significance (1 of 4 stars; one submission).

Conditions:
Cardiovascular phenotype. Identifiers: MedGen CN230736.

Submission:

Ambry Genetics
Classification: Uncertain significance for Cardiovascular phenotype. Last evaluated: 2024-12-29. Review status: criteria provided, single submitter. Criteria: Ambry Variant Classification Scheme 2023. Collection method: clinical testing. Allele origin: germline.
Comment: The p.P2363R variant (also known as c.7088C>G), located in coding exon 19 of the TNXB gene, results from a C to G substitution at nucleotide position 7088. The proline at codon 2363 is replaced by arginine, an amino acid with dissimilar properties. This amino acid position is conserved. In addition, the in silico prediction for this alteration is inconclusive. Since supporting evidence is limited at this time, the clinical significance of this alteration remains unclear.